The following is an entry in ClinVar:

ClinVar aggregate classification (germline): Likely benign (0 of 4 stars; one submission).

Conditions:
UNC13A-related disorder. Also called: UNC13A-related condition.

Allele frequency attached by ClinVar (database versions not stated): gnomAD 0.00002; TOPMed 0.00002.
gnomAD v4.1: 11 of 1,571,176 alleles (0.0007%); highest among the groups gnomAD compares: Admixed American, 0.0019%; no homozygotes.

Submission:

PreventionGenetics, part of Exact Sciences
Classification: Likely benign for UNC13A-related condition. Last evaluated: 2020-07-02. Review status: no assertion criteria provided. Collection method: clinical testing. Allele origin: germline.
Comment: This variant is classified as likely benign based on ACMG/AMP sequence variant interpretation guidelines (Richards et al. 2015 PMID: 25741868, with internal and published modifications).

NM_001080421.3(UNC13A):c.4992G>A (p.Thr1664=)

Gene: UNC13A (unc-13 homolog A; minus strand). Cytogenetic location: 19p13.11.
Variant type: single nucleotide variant.
Coding change: c.4992G>A on transcript NM_001080421.3 (MANE Select); coding-DNA position 4992, G replaced by A.
Protein change: p.Thr1664=; no amino-acid change (threonine 1664 retained).
Molecular consequence: synonymous variant.
Genome position (GRCh38, 1-based): chr19:17,606,174, C>T on the plus strand (G>A on the coding strand, the complement: UNC13A is on the minus strand). VCF-style: chr19-17606174-C-T. GRCh37 (hg19) VCF-style: chr19-17716983-C-T.
Other names: c.4980G>A, p.Thr1660= (NM_001387021.1); c.4977G>A, p.Thr1659= (NM_001387022.1); c.4911G>A, p.Thr1637= (NM_001387023.1).
Identifiers: ClinVar variation 3035970 (VCV003035970.2), dbSNP rs1446448921, ClinGen allele CA506102480.